The following is an entry in ClinVar:

ClinVar aggregate classification (germline): Benign/Likely benign. Review status: criteria provided, multiple submitters, no conflicts (2 of 4 stars). 5 submissions from 5 submitters: Benign (1); Likely benign (4). Last evaluated 2025-08-17.

Conditions:
Hereditary cancer-predisposing syndrome. Also called: Neoplastic Syndromes, Hereditary; Hereditary neoplastic syndrome; Tumor predisposition; Hereditary Cancer Syndrome. Identifiers: Orphanet 140162, MedGen C0027672, MeSH D009386, MONDO:0015356.
Familial cancer of breast. Also called: BREAST CANCER, FAMILIAL; hereditary breast carcinoma; Hereditary breast cancer. Identifiers: Orphanet 227535, MedGen C0346153, MONDO:0016419, OMIM 114480. Disease mechanism: loss of function.
Ovarian cancer. Also called: OVARIAN CANCER, SOMATIC. Identifiers: Orphanet 213500, MedGen C1140680, MONDO:0008170, OMIM 167000.
Hereditary diffuse gastric adenocarcinoma (HDGC). Also called: DIFFUSE GASTRIC AND LOBULAR BREAST CANCER SYNDROME. Identifiers: Orphanet 26106, MedGen C1708349, MONDO:0007648, OMIM 137215.

Allele frequency attached by ClinVar (database versions not stated): gnomAD exomes below 0.00001 and 0.00001; ExAC 0.00002.
gnomAD v4.1: 6 of 1,614,198 alleles (0.00037%); highest among the groups gnomAD compares: South Asian, 0.0066%; no homozygotes.

Submissions (5):

Labcorp Genetics (formerly Invitae), Labcorp
Classification: Likely benign for Hereditary diffuse gastric adenocarcinoma. Last evaluated: 2025-08-17. Review status: criteria provided, single submitter. Criteria: Invitae Variant Classification Sherloc (09022015). Collection method: clinical testing. Allele origin: germline.

Myriad Genetics, Inc.
Classification: Benign for Hereditary diffuse gastric adenocarcinoma. Last evaluated: 2024-09-12. Review status: criteria provided, single submitter. Criteria: Myriad Autosomal Dominant, Autosomal Recessive and X-Linked Classification Criteria (2023). Collection method: clinical testing. Allele origin: unknown.
Comment: This variant is considered benign. This variant is a silent/synonymous amino acid change and it is not expected to impact splicing.

Department of Pathology and Laboratory Medicine, Sinai Health System
Classification: Likely benign for Familial cancer of breast; Ovarian cancer. Last evaluated: 2021-11-09. Review status: criteria provided, single submitter. Criteria: ACMG Guidelines, 2015. Collection method: clinical testing. Allele origin: germline. Affected: yes.

Color Diagnostics, LLC DBA Color Health
Classification: Likely benign for Hereditary cancer-predisposing syndrome. Last evaluated: 2019-02-04. Review status: criteria provided, single submitter. Criteria: ACMG Guidelines, 2015. Collection method: clinical testing. Allele origin: germline.

Ambry Genetics
Classification: Likely benign for Hereditary cancer-predisposing syndrome. Last evaluated: 2018-12-05. Review status: criteria provided, single submitter. Criteria: Ambry Variant Classification Scheme 2023. Collection method: clinical testing. Allele origin: germline.

NM_004360.5(CDH1):c.306C>A (p.Ala102=)

Gene: CDH1 (cadherin 1; plus strand). Cytogenetic location: 16q22.1.
Variant type: single nucleotide variant.
Coding change: c.306C>A on transcript NM_004360.5 (MANE Select); coding-DNA position 306, C replaced by A.
Protein change: p.Ala102=; no amino-acid change (alanine 102 retained).
Molecular consequence: synonymous variant. On other transcripts: 5 prime UTR variant (2).
Genome position (GRCh38, 1-based): chr16:68,801,812, C>A. VCF-style: chr16-68801812-C-A. GRCh37 (hg19) VCF-style: chr16-68835715-C-A.
Other names: c.306C>A (LRG_301t1); c.306C>A, p.Ala102= (NM_001317184.2); c.-1310C>A (NM_001317185.2); c.-1514C>A (NM_001317186.2).
Identifiers: ClinVar variation 532482 (VCV000532482.20), dbSNP rs772779133, ClinGen allele CA8129826.